The following is an entry in ClinVar:

ClinVar aggregate classification (germline): Uncertain significance (1 of 4 stars; one submission).

Submission:

Dasa
Classification: Uncertain significance. Last evaluated: 2024-07-16. Review status: criteria provided, single submitter. Criteria: DASA Assertion Criteria. Collection method: clinical testing. Allele origin: germline.
Comment: NM_021076.4(NEFH):c.2642C>T (p.Ala881Val) is a missense variant that results in the substitution of alanine with valine. This variant is absent from population databases. Computational prediction algorithms are consistent with a benign effect. The currently available literature and clinical evidence are not sufficient to establish a definitive association between this variant and the reported condition. Therefore, this variant is classified as a variant of uncertain significance.

NM_021076.4(NEFH):c.2642C>T (p.Ala881Val)

Gene: NEFH (neurofilament heavy chain; plus strand). Cytogenetic location: 22q12.2.
Variant type: single nucleotide variant.
Coding change: c.2642C>T on transcript NM_021076.4 (MANE Select); coding-DNA position 2642, C replaced by T.
Protein change: p.Ala881Val; replaces alanine 881 with valine.
Molecular consequence: missense variant.
Genome position (GRCh38, 1-based): chr22:29,490,282, C>T. VCF-style: chr22-29490282-C-T. GRCh37 (hg19) VCF-style: chr22-29886271-C-T.
Other names: short protein forms A881V.
Identifiers: ClinVar variation 4886243 (VCV004886243.2).